The following is an entry in ClinVar:

NM_007294.4(BRCA1):c.4891A>T (p.Ser1631Cys)

Gene: BRCA1 (BRCA1 DNA repair associated; minus strand). Cytogenetic location: 17q21.31.
Variant type: single nucleotide variant.
Coding change: c.4891A>T on transcript NM_007294.4 (MANE Select); coding-DNA position 4891, A replaced by T.
Protein change: p.Ser1631Cys; replaces serine 1631 with cysteine.
Molecular consequence: missense variant. On other transcripts: non-coding transcript variant (1).
Genome position (GRCh38, 1-based): chr17:43,071,023, T>A on the plus strand (A>T on the coding strand, the complement: BRCA1 is on the minus strand). VCF-style: chr17-43071023-T-A. GRCh37 (hg19) VCF-style: chr17-41223040-T-A.
Other names: c.4678A>T, p.Ser1560Cys (NM_001407571.1, NM_001407898.1, NM_001407899.1 and 12 more transcripts); c.4957A>T, p.Ser1653Cys (NM_001407581.1, NM_001407582.1); c.4954A>T, p.Ser1652Cys (NM_001407583.1, NM_001407585.1, NM_001407587.1 and 1 more transcripts); c.4951A>T, p.Ser1651Cys (NM_001407590.1, NM_001407591.1); c.4891A>T, p.Ser1631Cys (NM_001407593.1, NM_001407594.1, NM_001407596.1 and 8 more transcripts); c.4888A>T, p.Ser1630Cys (NM_001407610.1, NM_001407611.1, NM_001407612.1 and 17 more transcripts); c.4885A>T, p.Ser1629Cys (NM_001407627.1, NM_001407628.1, NM_001407629.1 and 14 more transcripts); c.4876A>T, p.Ser1626Cys (NM_001407647.1); and 70 more; short protein forms S1631C, S1584C, S1652C, S527C, S1462C, S1477C, S1502C, S1504C.
Identifiers: ClinVar variation 186154 (VCV000186154.10), dbSNP rs786202734, ClinGen allele CA003066.

ClinVar aggregate classification (germline): Conflicting classifications of pathogenicity. Review status: criteria provided, conflicting classifications (1 of 4 stars). 2 submissions from 2 submitters: Uncertain significance (1); Likely benign (1). Last evaluated 2024-04-09.

Conditions:
Hereditary breast ovarian cancer syndrome. Also called: Hereditary breast and ovarian cancer syndrome; Hereditary breast and ovarian cancer syndrome (HBOC); BRCA1- and BRCA2-Associated Hereditary Breast and Ovarian Cancer; Breast and ovarian cancer; Hereditary breast and ovarian cancer; Hereditary breast and/or ovarian cancer syndrome. Identifiers: Orphanet 145, MedGen C0677776, MeSH D061325, MONDO:0003582. Disease mechanism: loss of function.
Hereditary cancer-predisposing syndrome. Also called: Hereditary Cancer Syndrome; Hereditary neoplastic syndrome; Tumor predisposition; Neoplastic Syndromes, Hereditary. Identifiers: Orphanet 140162, MedGen C0027672, MeSH D009386, MONDO:0015356.

Submissions (3):

Labcorp Genetics (formerly Invitae), Labcorp
Classification: Uncertain significance for Hereditary breast ovarian cancer syndrome. Last evaluated: 2024-04-09. Review status: criteria provided, single submitter. Criteria: Invitae Variant Classification Sherloc (09022015). Collection method: clinical testing. Allele origin: germline.
Comment: This sequence change replaces serine, which is neutral and polar, with cysteine, which is neutral and slightly polar, at codon 1631 of the BRCA1 protein (p.Ser1631Cys). This variant is not present in population databases (gnomAD no frequency). This variant has not been reported in the literature in individuals affected with BRCA1-related conditions. ClinVar contains an entry for this variant (Variation ID: 186154). Advanced modeling performed at Invitae incorporating data from internal and/or published experimental studies (PMID: 30209399) indicates that this missense variant is not expected to disrupt BRCA1 function with a negative predictive value of 95%. In summary, the available evidence is currently insufficient to determine the role of this variant in disease. Therefore, it has been classified as a Variant of Uncertain Significance.

Ambry Genetics
Classification: Likely benign for Hereditary cancer-predisposing syndrome. Last evaluated: 2020-11-29. Review status: criteria provided, single submitter. Criteria: Ambry Variant Classification Scheme 2023. Collection method: clinical testing. Allele origin: germline.

Brotman Baty Institute, University of Washington
No classification provided (evidence only). Condition: Breast-ovarian cancer, familial 1. Review status: no classification provided. Collection method: in vitro. Allele origin: not applicable. Functional consequence: functionally_normal. Not counted in ClinVar's aggregate classification.
ClinVar note: "not provided" was previously submitted as the classification for the variant. However, the classification appeared to be based only on an observation of functional data so it was converted to no classification on 2025-07-30.

Literature cited by the submitters: PubMed 30209399 (cited by Labcorp Genetics (formerly Invitae), Labcorp and Ambry Genetics).